The following is an entry in ClinVar:

NM_001166108.2(PALLD):c.1671C>A (p.Asp557Glu)

Gene: PALLD (palladin, cytoskeletal associated protein; plus strand). Cytogenetic location: 4q32.3.
Variant type: single nucleotide variant.
Coding change: c.1671C>A on transcript NM_001166108.2 (MANE Select); coding-DNA position 1671, C replaced by A.
Protein change: p.Asp557Glu; replaces aspartic acid 557 with glutamic acid.
Molecular consequence: missense variant.
Genome position (GRCh38, 1-based): chr4:168,711,630, C>A. VCF-style: chr4-168711630-C-A. GRCh37 (hg19) VCF-style: chr4-169632781-C-A.
Other names: c.525C>A, p.Asp175Glu (NM_001166109.2); c.1671C>A, p.Asp557Glu (NM_016081.4); short protein forms D557E, D175E.
Identifiers: ClinVar variation 3413608 (VCV003413608.1).

ClinVar aggregate classification (germline): Uncertain significance (1 of 4 stars; one submission).

Submission:

Ambry Genetics
Classification: Uncertain significance. Last evaluated: 2024-08-30. Review status: criteria provided, single submitter. Criteria: Ambry Variant Classification Scheme 2023. Collection method: clinical testing. Allele origin: germline.
Comment: The p.D557E variant (also known as c.1671C>A), located in coding exon 9 of the PALLD gene, results from a C to A substitution at nucleotide position 1671. The aspartic acid at codon 557 is replaced by glutamic acid, an amino acid with highly similar properties. This amino acid position is conserved. In addition, this alteration is predicted to be tolerated by in silico analysis. Based on the available evidence, the clinical significance of this variant remains unclear.